The following is an entry in ClinVar:

NM_006371.5(CRTAP):c.*1041C>T

Gene: CRTAP (cartilage associated protein; plus strand). Cytogenetic location: 3p22.3.
Variant type: single nucleotide variant.
Coding change: c.*1041C>T on transcript NM_006371.5 (MANE Select); 1041 bases downstream of the stop codon, C replaced by T.
Molecular consequence: 3 prime UTR variant.
Genome position (GRCh38, 1-based): chr3:33,143,489, C>T. VCF-style: chr3-33143489-C-T. GRCh37 (hg19) VCF-style: chr3-33184981-C-T.
Identifiers: ClinVar variation 903442 (VCV000903442.4), dbSNP rs114487086, ClinGen allele CA72673843.

ClinVar aggregate classification (germline): Likely benign (1 of 4 stars; one submission).

Conditions:
Osteogenesis imperfecta type 7 (OI7). Also called: OSTEOGENESIS IMPERFECTA, TYPE IIB; Osteogenesis imperfecta type 2B; OI type 2B; Osteogenesis imperfecta, perinatal lethal autosomal recessive; OI type IIB; OI type 7. Identifiers: MedGen C1853162, MONDO:0012536, OMIM 610682.

Allele frequency attached by ClinVar (database versions not stated): gnomAD 0.00263 and 0.00282; TOPMed 0.00311; 1000 Genomes Project 0.00379; 1000 Genomes Project 30x 0.00406.

Submission:

Illumina Laboratory Services, Illumina
Classification: Likely benign for Osteogenesis imperfecta type 7. Last evaluated: 2018-01-12. Review status: criteria provided, single submitter. Criteria: ICSL Variant Classification Criteria 13 December 2019. Collection method: clinical testing. Allele origin: germline.
Comment: This variant was observed in the ICSL laboratory as part of a predisposition screen in an ostensibly healthy population. It had not been previously curated by ICSL or reported in the Human Gene Mutation Database (HGMD: prior to June 1st, 2018), and was therefore a candidate for classification through an automated scoring system. Utilizing variant allele frequency, disease prevalence and penetrance estimates, and inheritance mode, an automated score was calculated to assess if this variant is too frequent to cause the disease. Based on the score and internal cut-off values, a variant classified as likely benign is not then subjected to further curation. The score for this variant resulted in a classification of likely benign for this disease.